The following is an entry in ClinVar:

ClinVar aggregate classification (germline): Pathogenic (1 of 4 stars; one submission).

Submission:

ISCA site 15
Classification: Pathogenic. Last evaluated: 2011-08-12. Review status: criteria provided, single submitter. Criteria: Kaminsky et al. (Genet Med. 2011). Collection method: clinical testing. Allele origin: unknown. Affected: yes. Observed: 1 variant allele.
Comment: Copy number variation identified through the course of routine clinical cytogenomic testing in postnatal populations. Clinical assertions have been curated as described in Kaminsky et al. 2011.

GRCh38/hg38 12p13.33-13.32(chr12:199896-3284963)x3

Genes: ADIPOR2 (adiponectin receptor 2; plus strand), B4GALNT3 (beta-1,4-N-acetyl-galactosaminyltransferase 3; plus strand), CACNA1C (calcium voltage-gated channel subunit alpha1 C; plus strand), CACNA1C-AS1 (CACNA1C antisense RNA 1; minus strand), CACNA1C-AS2 (CACNA1C antisense RNA 2; minus strand) and 123 more. Cytogenetic location: 12p13.33-13.32.
Variant type: copy number gain.
Change: copy number 3 (three copies instead of two) of chr12:199,896-3,284,963 (3.09 Mb, GRCh38 coordinates, 1-based), cytogenetic band 12p13.33-13.32.
Identifiers: ClinVar variation 59798 (VCV000059798.1).